The following is an entry in ClinVar:

NM_145886.4(PIDD1):c.2377C>T (p.Leu793=)

Gene: PIDD1 (p53-induced death domain protein 1; minus strand). Cytogenetic location: 11p15.5.
Variant type: single nucleotide variant.
Coding change: c.2377C>T on transcript NM_145886.4 (MANE Select); coding-DNA position 2377, C replaced by T.
Protein change: p.Leu793=; no amino-acid change (leucine 793 retained).
Molecular consequence: synonymous variant.
Genome position (GRCh38, 1-based): chr11:799,912, G>A on the plus strand (C>T on the coding strand, the complement: PIDD1 is on the minus strand). VCF-style: chr11-799912-G-A. GRCh37 (hg19) VCF-style: chr11-799912-G-A.
Other names: c.2326C>T, p.Leu776= (NM_145887.4).
Identifiers: ClinVar variation 4822563 (VCV004822563.4).

ClinVar aggregate classification (germline): Likely benign (1 of 4 stars; one submission).

Submission:

CeGaT Center for Human Genetics Tuebingen
Classification: Likely benign. Last evaluated: 2025-12-01. Review status: criteria provided, single submitter. Criteria: CeGaT Center For Human Genetics Tuebingen Variant Classification Criteria Version 2. Collection method: clinical testing. Allele origin: germline. Affected: yes. Observed: 1 variant allele.
Comment: PIDD1: BP4, BP7